The following is an entry in ClinVar:

NM_000038.6(APC):c.449A>G (p.Lys150Arg)

Gene: APC (APC regulator of Wnt signaling pathway; plus strand). Cytogenetic location: 5q22.2.
Variant type: single nucleotide variant.
Coding change: c.449A>G on transcript NM_000038.6 (MANE Select); coding-DNA position 449, A replaced by G.
Protein change: p.Lys150Arg; replaces lysine 150 with arginine.
Molecular consequence: missense variant. On other transcripts: 5 prime UTR variant (1).
Genome position (GRCh38, 1-based): chr5:112,775,655, A>G. VCF-style: chr5-112775655-A-G. GRCh37 (hg19) VCF-style: chr5-112111352-A-G.
Other names: p.K150R:AAA>AGA; CCDS4107.1:c.449A>G; c.449A>G, p.Lys150Arg (NM_001127510.3, NM_001354895.2, NM_001354896.2 and 2 more transcripts); c.479A>G, p.Lys160Arg (NM_001127511.3, NM_001354897.2, NM_001354902.2); c.374A>G, p.Lys125Arg (NM_001354898.2, NM_001354904.2); c.272A>G, p.Lys91Arg (NM_001354900.2, NM_001354901.2, NM_001354905.2); c.-587A>G (NM_001354906.2); short protein forms K150R, K160R, K91R, K125R.
Identifiers: ClinVar variation 141928 (VCV000141928.52), dbSNP rs371085910, ClinGen allele CA009591.

ClinVar aggregate classification (germline): Conflicting classifications of pathogenicity. Review status: criteria provided, conflicting classifications (1 of 4 stars). 17 submissions from 17 submitters: Uncertain significance (9); Likely benign (5). 3 of the submissions do not count toward it. Last evaluated 2026-09-24.

Conditions:
Classic or attenuated familial adenomatous polyposis. Identifiers: MedGen CN372698, MONDO:0021057.
APC-related disorder. Also called: APC-related condition.
Colorectal adenoma. Identifiers: MedGen C1302401, MONDO:0005484.
Hereditary cancer-predisposing syndrome. Also called: Tumor predisposition; Neoplastic Syndromes, Hereditary; Hereditary neoplastic syndrome; Hereditary Cancer Syndrome. Identifiers: Orphanet 140162, MedGen C0027672, MeSH D009386, MONDO:0015356.
Familial adenomatous polyposis 1 (FAP1). Also called: FAMILIAL ADENOMATOUS POLYPOSIS 1, ATTENUATED; POLYPOSIS, ADENOMATOUS INTESTINAL. Identifiers: MedGen C2713442, MONDO:0021056, OMIM 175100. Disease mechanism: loss of function.

Allele frequency attached by ClinVar (database versions not stated): ExAC 0.00001; gnomAD exomes 0.00002 and 0.00006; gnomAD 0.00004; TOPMed 0.00005; ESP Exome Variant Server 0.00008.
gnomAD v4.1: 99 of 1,608,404 alleles (0.0062%); highest among the groups gnomAD compares: Non-Finnish European, 0.0079%; no homozygotes.

Submissions 1 to 10 of 17:

PreventionGenetics, part of Exact Sciences
Classification: Likely benign for APC-related condition. Last evaluated: 2026-09-24. Review status: criteria provided, single submitter. Criteria: ACMG Guidelines, 2015. Collection method: clinical testing. Allele origin: germline.
Comment: This variant is classified as likely benign based on ACMG/AMP sequence variant interpretation guidelines (Richards et al. 2015 PMID: 25741868, with internal and published modifications).

Women's Health and Genetics/Laboratory Corporation of America, LabCorp
Classification: Uncertain significance. Last evaluated: 2026-04-06. Review status: criteria provided, single submitter. Criteria: LabCorp Variant Classification Summary - May 2015. Collection method: clinical testing. Allele origin: germline.
Comment: Variant summary: APC c.449A>G (p.Lys150Arg) results in a conservative amino acid change in the encoded protein sequence. Algorithms developed to predict the effect of missense changes on protein structure and function are either unavailable or do not agree on the potential impact of this missense change. The variant allele was found at a frequency of 2e-05 in 247824 control chromosomes. The available data on variant occurrences in the general population are insufficient to allow any conclusion about variant significance. c.449A>G has been observed in individual(s) affected with Breast cancer, Colon Colorectal Adenomas and Sarcoma (Azzopardi_2008, Rummel_2017, Newman_2021). These report(s) do not provide unequivocal conclusions about association of the variant with Familial Adenomatous Polyposis. To our knowledge, no experimental evidence demonstrating an impact on protein function has been reported. The following publications have been ascertained in the context of this evaluation (PMID: 18199528, 21859464, 34301788, 28503720, 26580448). ClinVar contains an entry for this variant (Variation ID: 141928). Based on the evidence outlined above, the variant was classified as uncertain significance.

Labcorp Genetics (formerly Invitae), Labcorp
Classification: Uncertain significance for Familial adenomatous polyposis 1. Last evaluated: 2026-02-03. Review status: criteria provided, single submitter. Criteria: Invitae Variant Classification Sherloc (09022015). Collection method: clinical testing. Allele origin: germline.
Comment: This sequence change replaces lysine, which is basic and polar, with arginine, which is basic and polar, at codon 150 of the APC protein (p.Lys150Arg). This variant is present in population databases (rs371085910, gnomAD 0.005%). This missense change has been observed in individual(s) with clinical features of familial adenomatous polyposis (PMID: 18199528). ClinVar contains an entry for this variant (Variation ID: 141928). Invitae Evidence Modeling of protein sequence and biophysical properties (such as structural, functional, and spatial information, amino acid conservation, physicochemical variation, residue mobility, and thermodynamic stability) indicates that this missense variant is not expected to disrupt APC protein function with a negative predictive value of 95%. RNA analysis performed to evaluate the impact of this missense change on mRNA splicing indicates it does not significantly alter splicing (internal data). In summary, the available evidence is currently insufficient to determine the role of this variant in disease. Therefore, it has been classified as a Variant of Uncertain Significance.

Color Diagnostics, LLC DBA Color Health
Classification: Likely benign for Hereditary cancer-predisposing syndrome. Last evaluated: 2025-11-19. Review status: criteria provided, single submitter. Criteria: ACMG Guidelines, 2015. Collection method: clinical testing. Allele origin: germline.

Quest Diagnostics Nichols Institute San Juan Capistrano
Classification: Uncertain significance. Last evaluated: 2025-09-19. Review status: criteria provided, single submitter. Criteria: Quest Diagnostics criteria. Collection method: clinical testing. Allele origin: unknown.
Comment: The APC c.449A>G (p.Lys150Arg) variant has been reported in the published literature in individuals affected with colorectal adenomas (PMIDs: 18199528 (2008), 21859464 (2011)) and/or colorectal cancer (PMID: 31422818 (2019)), early-onset breast cancer (PMID: 28503720 (2017)), and pediatric sarcomas (PMIDs: 26580448 (2015), 34301788 (2021)). The frequency of this variant in the general population (Genome Aggregation Database) is uninformative in the assessment of its pathogenicity. Analysis of this variant using bioinformatics tools for the prediction of the effect of amino acid changes on protein structure and function yielded conflicting predictions that this variant is deleterious or benign. Based on the available information, we are unable to determine the clinical significance of this variant.

GeneDx
Classification: Uncertain significance. Last evaluated: 2025-04-04. Review status: criteria provided, single submitter. Criteria: GeneDx Variant Classification Process June 2021. Collection method: clinical testing. Allele origin: germline. Affected: yes.
Comment: Not observed at significant frequency in large population cohorts (gnomAD); In silico analysis indicates that this missense variant does not alter protein structure/function; In silico analysis is inconclusive as to whether the variant alters gene splicing. In the absence of RNA/functional studies, the actual effect of this sequence change is unknown.; Observed in individuals with a personal history of colorectal adenomas, breast cancer, or other cancers (PMID: 18199528, 21859464, 26580448, 27498913, 28503720); This variant is associated with the following publications: (PMID: 25637381, 21859464, 18199528, 26580448, 27498913, 28152038, 28503720, 16454848, 12070164, 27535533, 11257105, 34301788)

Center for Genomic Medicine, Rigshospitalet, Copenhagen University Hospital
Classification: Likely benign. Last evaluated: 2025-03-04. Review status: criteria provided, single submitter. Criteria: ACMG Guidelines, 2015. Collection method: clinical testing. Allele origin: germline.

All of Us Research Program, National Institutes of Health
Classification: Uncertain significance for Classic or attenuated familial adenomatous polyposis. Last evaluated: 2024-08-06. Review status: criteria provided, single submitter. Criteria: ACMG Guidelines, 2015. Collection method: clinical testing. Allele origin: germline. Inheritance: Autosomal dominant inheritance. Observed: 19 variant alleles, 19 heterozygotes.
Comment: This missense variant replaces lysine with arginine at codon 150 of the APC protein. Computational prediction suggests that this variant may have deleterious impact on protein structure and function (internally defined REVEL score threshold >= 0.7, PMID: 27666373). To our knowledge, protein functional studies have not been performed for this variant. This variant has been reported in individuals affected with breast cancer, colorectal adenomas, and rhabdosarcoma in the literature (PMID: 18199528, 21859464, 26580448, 28503720). This variant has been identified in 6/279048 chromosomes in the general population by the Genome Aggregation Database (gnomAD). The available evidence is insufficient to determine the role of this variant in disease conclusively. Therefore, this variant is classified as a Variant of Uncertain Significance.

This study involves interpretation of variants in research participants for the purpose of population health screening. Participant phenotype was not available at the time of variant classification. Additional details can be found in publication PMID: 35346344, PMCID: PMC8962531

Baylor Genetics
Classification: Uncertain significance for Familial adenomatous polyposis 1. Last evaluated: 2024-03-27. Review status: criteria provided, single submitter. Criteria: ACMG Guidelines, 2015. Collection method: clinical testing. Allele origin: unknown.

Myriad Genetics, Inc.
Classification: Likely benign for Familial adenomatous polyposis 1. Last evaluated: 2023-02-17. Review status: criteria provided, single submitter. Criteria: Myriad Autosomal Dominant, Autosomal Recessive and X-Linked Classification Criteria (2023). Collection method: clinical testing. Allele origin: unknown.
Comment: This variant is considered likely benign. This variant has been observed in conjunction with multiple pathogenic variants, reducing the likelihood this variant itself is pathogenic.